The following is an entry in ClinVar:

NM_004415.4(DSP):c.8558C>T (p.Thr2853Ile)

Gene: DSP (desmoplakin; plus strand). Cytogenetic location: 6p24.3.
Variant type: single nucleotide variant.
Coding change: c.8558C>T on transcript NM_004415.4 (MANE Select); coding-DNA position 8558, C replaced by T.
Protein change: p.Thr2853Ile; replaces threonine 2853 with isoleucine.
Molecular consequence: missense variant.
Genome position (GRCh38, 1-based): chr6:7,585,820, C>T. VCF-style: chr6-7585820-C-T. GRCh37 (hg19) VCF-style: chr6-7586053-C-T.
Other names: c.6761C>T, p.Thr2254Ile (NM_001008844.3); c.7229C>T, p.Thr2410Ile (NM_001319034.2); short protein forms T2254I, T2410I, T2853I.
Identifiers: ClinVar variation 2775390 (VCV002775390.2), dbSNP rs2533953068, ClinGen allele CA362695377.

ClinVar aggregate classification (germline): Uncertain significance (1 of 4 stars; one submission).

Conditions:
Cardiomyopathy (CMYO). Also called: Cardiomyopathies. Identifiers: Orphanet 167848, MedGen C0878544, MONDO:0004994, HP:0001638. Inheritance: Various modes of inheritance.

Submission:

Color Diagnostics, LLC DBA Color Health
Classification: Uncertain significance for Cardiomyopathy. Last evaluated: 2023-12-11. Review status: criteria provided, single submitter. Criteria: ACMG Guidelines, 2015. Collection method: clinical testing. Allele origin: germline.
Comment: This missense variant replaces threonine with isoleucine at codon 2853 of the DSP protein. Computational prediction suggests that this variant may not impact protein structure and function (internally defined REVEL score threshold <= 0.5, PMID: 27666373). To our knowledge, functional studies have not been reported for this variant. This variant has not been reported in individuals affected with DSP-related disorders in the literature. This variant has not been identified in the general population by the Genome Aggregation Database (gnomAD). The available evidence is insufficient to determine the role of this variant in disease conclusively. Therefore, this variant is classified as a Variant of Uncertain Significance.